The following is an entry in ClinVar:

ClinVar aggregate classification (germline): Conflicting classifications of pathogenicity. Review status: criteria provided, conflicting classifications (1 of 4 stars). 2 submissions from 2 submitters: Uncertain significance (1); Likely benign (1). Last evaluated 2020-07-09.

Conditions:
Emery-Dreifuss muscular dystrophy 5, autosomal dominant (EDMD5). Also called: EMERY-DREIFUSS MUSCULAR DYSTROPHY 5. Identifiers: Orphanet 261, MedGen C2751805, MONDO:0013072, OMIM 612999.

Allele frequency attached by ClinVar (database versions not stated): gnomAD 0.00002; TOPMed 0.00002; gnomAD exomes 0.00003 and 0.00004; ExAC 0.00008; ESP Exome Variant Server 0.00008.
gnomAD v4.1: 49 of 1,614,042 alleles (0.003%); highest among the groups gnomAD compares: Non-Finnish European, 0.0031%; no homozygotes.

Submissions (2):

Labcorp Genetics (formerly Invitae), Labcorp
Classification: Uncertain significance for Emery-Dreifuss muscular dystrophy 5, autosomal dominant. Last evaluated: 2020-07-09. Review status: criteria provided, single submitter. Criteria: Invitae Variant Classification Sherloc (09022015). Collection method: clinical testing. Allele origin: germline.
Comment: This sequence change replaces leucine with phenylalanine at codon 2796 of the SYNE2 protein (p.Leu2796Phe). The leucine residue is weakly conserved and there is a small physicochemical difference between leucine and phenylalanine. This variant is present in population databases (rs200570324, ExAC 0.03%), and has an allele count higher than expected for a pathogenic variant (PMID: 28166811). This variant has not been reported in the literature in individuals with SYNE2-related conditions. Algorithms developed to predict the effect of missense changes on protein structure and function output the following: SIFT: "Tolerated"; PolyPhen-2: "Benign"; Align-GVGD: "Class C0". The phenylalanine amino acid residue is found in multiple mammalian species, suggesting that this missense change does not adversely affect protein function. These predictions have not been confirmed by published functional studies and their clinical significance is uncertain. In summary, the available evidence is currently insufficient to determine the role of this variant in disease. Therefore, it has been classified as a Variant of Uncertain Significance.

Illumina Laboratory Services, Illumina
Classification: Likely benign for Emery-Dreifuss muscular dystrophy 5, autosomal dominant. Last evaluated: 2018-01-13. Review status: criteria provided, single submitter. Criteria: ICSL Variant Classification Criteria 13 December 2019. Collection method: clinical testing. Allele origin: germline.
Comment: This variant was observed in the ICSL laboratory as part of a predisposition screen in an ostensibly healthy population. It had not been previously curated by ICSL or reported in the Human Gene Mutation Database (HGMD: prior to June 1st, 2018), and was therefore a candidate for classification through an automated scoring system. Utilizing variant allele frequency, disease prevalence and penetrance estimates, and inheritance mode, an automated score was calculated to assess if this variant is too frequent to cause the disease. Based on the score and internal cut-off values, a variant classified as likely benign is not then subjected to further curation. The score for this variant resulted in a classification of likely benign for this disease.

Literature cited by the submitters: PubMed 28166811 (cited by Labcorp Genetics (formerly Invitae), Labcorp).

NM_182914.3(SYNE2):c.8386C>T (p.Leu2796Phe)

Gene: SYNE2 (spectrin repeat containing nuclear envelope protein 2; plus strand). Cytogenetic location: 14q23.2.
Variant type: single nucleotide variant.
Coding change: c.8386C>T on transcript NM_182914.3 (MANE Select); coding-DNA position 8386, C replaced by T.
Protein change: p.Leu2796Phe; replaces leucine 2796 with phenylalanine.
Molecular consequence: missense variant.
Genome position (GRCh38, 1-based): chr14:64,052,299, C>T. VCF-style: chr14-64052299-C-T. GRCh37 (hg19) VCF-style: chr14-64519017-C-T.
Other names: c.8386C>T, p.Leu2796Phe (NM_015180.6); short protein forms L2796F.
Identifiers: ClinVar variation 883476 (VCV000883476.13), dbSNP rs200570324, ClinGen allele CA7221098.
Genomic context (GRCh38, chr14:64,052,299, plus strand): 5'-CTAGCTAGGCAGCAGTCTGTGGAATCGTTGGCTGAAGAGGTCAAAGATAAGGTTCCTAGC[C>T]TTACAACCTATGAGGGCAGTGATTTAAATAATACCCTAGAGGACTTACGGAATCAATACC-3'
Protein context (NP_878918.2, residues 2786-2806): AEEVKDKVPS[Leu2796Phe]TTYEGSDLNN